The following is an entry in ClinVar:

NM_005751.5(AKAP9):c.5368+4C>T

Gene: AKAP9 (A-kinase anchoring protein 9; plus strand). Cytogenetic location: 7q21.2.
Variant type: single nucleotide variant.
Coding change: c.5368+4C>T on transcript NM_005751.5 (MANE Select); 4 bases into the intron after coding-DNA position 5368, C replaced by T.
Molecular consequence: intron variant.
Genome position (GRCh38, 1-based): chr7:92,045,217, C>T. VCF-style: chr7-92045217-C-T. GRCh37 (hg19) VCF-style: chr7-91674531-C-T.
Other names: c.5368+4C>T (NM_147185.3).
Identifiers: ClinVar variation 810123 (VCV000810123.20), dbSNP rs759286117, ClinGen allele CA4336774.

ClinVar aggregate classification (germline): Uncertain significance. Review status: criteria provided, multiple submitters, no conflicts (2 of 4 stars). 3 submissions from 3 submitters: Uncertain significance (3). Last evaluated 2025-07-02.

Conditions:
Long QT syndrome 11 (LQT11). Identifiers: Orphanet 101016, Orphanet 768, MedGen C2678483, MONDO:0012738, OMIM 611820.
Long QT syndrome (LQTS). Identifiers: MedGen C0023976, MeSH D008133, MONDO:0002442. Disease mechanism: loss of function. Inheritance: Various modes of inheritance.
Cardiovascular phenotype. Identifiers: MedGen CN230736.

Allele frequency attached by ClinVar (database versions not stated): TOPMed 0.00001; gnomAD exomes 0.00002; ExAC 0.00003; gnomAD 0.00003.
gnomAD v4.1: 35 of 1,612,674 alleles (0.0022%); highest among the groups gnomAD compares: Non-Finnish European, 0.0026%; no homozygotes.

Submissions (3):

Labcorp Genetics (formerly Invitae), Labcorp
Classification: Uncertain significance for Long QT syndrome. Last evaluated: 2025-07-02. Review status: criteria provided, single submitter. Criteria: Invitae Variant Classification Sherloc (09022015). Collection method: clinical testing. Allele origin: germline.
Comment: This sequence change falls in intron 21 of the AKAP9 gene. It does not directly change the encoded amino acid sequence of the AKAP9 protein. It affects a nucleotide within the consensus splice site. This variant is present in population databases (rs759286117, gnomAD 0.005%). This variant has not been reported in the literature in individuals affected with AKAP9-related conditions. ClinVar contains an entry for this variant (Variation ID: 810123). Variants that disrupt the consensus splice site are a relatively common cause of aberrant splicing (PMID: 17576681, 9536098). Algorithms developed to predict the effect of sequence changes on RNA splicing suggest that this variant is not likely to affect RNA splicing. In summary, the available evidence is currently insufficient to determine the role of this variant in disease. Therefore, it has been classified as a Variant of Uncertain Significance.

Ambry Genetics
Classification: Uncertain significance for Cardiovascular phenotype. Last evaluated: 2022-10-25. Review status: criteria provided, single submitter. Criteria: Ambry Variant Classification Scheme 2023. Collection method: clinical testing. Allele origin: germline.
Comment: The c.5368+4C>T intronic variant results from a C to T substitution 4 nucleotides after coding exon 21 in the AKAP9 gene. This nucleotide position is not well conserved in available vertebrate species. In silico splice site analysis predicts that this alteration will not have any significant effect on splicing. The evidence for this gene-disease relationship is limited; therefore, the clinical significance of this alteration is unclear.

Fulgent Genetics
Classification: Uncertain significance for Long QT syndrome 11. Last evaluated: 2021-08-04. Review status: criteria provided, single submitter. Criteria: ACMG Guidelines, 2015. Collection method: clinical testing. Allele origin: unknown.

Literature cited by the submitters: PubMed 17576681 (cited by Labcorp Genetics (formerly Invitae), Labcorp); PubMed 9536098 (cited by Labcorp Genetics (formerly Invitae), Labcorp).